The following is an entry in ClinVar:

ClinVar aggregate classification (germline): Likely benign (1 of 4 stars; one submission).

gnomAD v4.1: 1 of 1,614,136 alleles (0.000062%); highest among the groups gnomAD compares: South Asian, 0.0011%; no homozygotes.

Submission:

CeGaT Center for Human Genetics Tuebingen
Classification: Likely benign. Last evaluated: 2026-03-01. Review status: criteria provided, single submitter. Criteria: CeGaT Center For Human Genetics Tuebingen Variant Classification Criteria Version 2. Collection method: clinical testing. Allele origin: germline. Affected: yes. Observed: 1 variant allele.
Comment: CKAP2L: BP4, BP7

NM_152515.5(CKAP2L):c.36C>T (p.Val12=)

Gene: CKAP2L (cytoskeleton associated protein 2L; minus strand). Cytogenetic location: 2q14.1.
Variant type: single nucleotide variant.
Coding change: c.36C>T on transcript NM_152515.5 (MANE Select); coding-DNA position 36, C replaced by T.
Protein change: p.Val12=; no amino-acid change (valine 12 retained).
Molecular consequence: synonymous variant. On other transcripts: 5 prime UTR variant (1), non-coding transcript variant (1).
Genome position (GRCh38, 1-based): chr2:112,764,563, G>A on the plus strand (C>T on the coding strand, the complement: CKAP2L is on the minus strand). VCF-style: chr2-112764563-G-A. GRCh37 (hg19) VCF-style: chr2-113522140-G-A.
Other names: c.-401C>T (NM_001304361.2).
Identifiers: ClinVar variation 4823544 (VCV004823544.4).